The following is an entry in ClinVar:

NM_021815.5(SLC5A7):c.1528A>T (p.Lys510Ter)

Gene: SLC5A7 (solute carrier family 5 member 7; plus strand). Cytogenetic location: 2q12.3.
Variant type: single nucleotide variant.
Coding change: c.1528A>T on transcript NM_021815.5 (MANE Select); coding-DNA position 1528, A replaced by T.
Protein change: p.Lys510Ter; replaces lysine 510 with a stop codon.
Molecular consequence: nonsense.
Genome position (GRCh38, 1-based): chr2:108,010,646, A>T. VCF-style: chr2-108010646-A-T. GRCh37 (hg19) VCF-style: chr2-108627102-A-T.
Other names: c.1528A>T, p.Lys510Ter (NM_001305005.3); c.1213A>T, p.Lys405Ter (NM_001305006.3); c.787A>T, p.Lys263Ter (NM_001305007.3); short protein forms K263*, K510*, K405*.
Identifiers: ClinVar variation 4786762 (VCV004786762.1).

ClinVar aggregate classification (germline): Uncertain significance (1 of 4 stars; one submission).

Conditions:
Congenital myasthenic syndrome 20. Also called: Myasthenic syndrome, congenital, 20, presynaptic. Identifiers: MedGen C4310694, MONDO:0014939, OMIM 617143.
Neuronopathy, distal hereditary motor, type 7A. Also called: Neuronopathy, distal hereditary motor, type viia; NEURONOPATHY, DISTAL HEREDITARY MOTOR, HARDING TYPE VIIA; NEUROPATHY, DISTAL HEREDITARY MOTOR, HARDING TYPE VIIA; Neuronopathy, distal hereditary motor, autosomal dominant 7; HARPER-YOUNG MYOPATHY; HMN VIIA. Identifiers: Orphanet 139589, MedGen C1834703, MONDO:0008024, OMIM 158580.

Submission:

Labcorp Genetics (formerly Invitae), Labcorp
Classification: Uncertain significance for Neuronopathy, distal hereditary motor, type 7A; Congenital myasthenic syndrome 20. Last evaluated: 2025-11-21. Review status: criteria provided, single submitter. Criteria: Invitae Variant Classification Sherloc (09022015). Collection method: clinical testing. Allele origin: germline.
Comment: This sequence change creates a premature translational stop signal (p.Lys510*) in the SLC5A7 gene. While this is not anticipated to result in nonsense mediated decay, it is expected to disrupt the last 71 amino acid(s) of the SLC5A7 protein. This variant is not present in population databases (gnomAD no frequency). This variant has not been reported in the literature in individuals affected with SLC5A7-related conditions. Experimental studies and prediction algorithms are not available or were not evaluated, and the functional significance of this variant is currently unknown. In summary, the available evidence is currently insufficient to determine the role of this variant in disease. Therefore, it has been classified as a Variant of Uncertain Significance.